The following is an entry in ClinVar:

ClinVar aggregate classification (germline): Uncertain significance. Review status: criteria provided, multiple submitters, no conflicts (2 of 4 stars). 2 submissions from 2 submitters: Uncertain significance (2). Last evaluated 2022-07-06.

Conditions:
Familial adenomatous polyposis 1 (FAP1). Also called: FAMILIAL ADENOMATOUS POLYPOSIS 1, ATTENUATED; POLYPOSIS, ADENOMATOUS INTESTINAL. Identifiers: MedGen C2713442, MONDO:0021056, OMIM 175100. Disease mechanism: loss of function.

Allele frequency attached by ClinVar (database versions not stated): gnomAD 0.00003 and 0.00001.
gnomAD v4.1: 2 of 1,370,546 alleles (0.00015%); highest among the groups gnomAD compares: Non-Finnish European, 0.000096%; no homozygotes.

Submissions (2):

Labcorp Genetics (formerly Invitae), Labcorp
Classification: Uncertain significance for Familial adenomatous polyposis 1. Last evaluated: 2022-07-06. Review status: criteria provided, single submitter. Criteria: Invitae Variant Classification Sherloc (09022015). Collection method: clinical testing. Allele origin: germline.
Comment: In summary, the available evidence is currently insufficient to determine the role of this variant in disease. Therefore, it has been classified as a Variant of Uncertain Significance. Experimental studies and prediction algorithms are not available or were not evaluated, and the functional significance of this variant is currently unknown. ClinVar contains an entry for this variant (Variation ID: 657336). This variant has not been reported in the literature in individuals affected with APC-related conditions. This variant is present in population databases (no rsID available, gnomAD 0.002%). This variant occurs in a non-coding region of the APC gene. It does not change the encoded amino acid sequence of the APC protein.

Breakthrough Genomics
Classification: Uncertain significance. Review status: criteria provided, single submitter. Criteria: ACMG Guidelines, 2015. Collection method: not provided. Allele origin: germline. Inheritance: Autosomal dominant inheritance. Affected: yes.

NM_001127511.3(APC):c.34C>T (p.Pro12Ser)

Gene: APC (APC regulator of Wnt signaling pathway; plus strand). Cytogenetic location: 5q22.2.
Variant type: single nucleotide variant.
Coding change: c.34C>T on transcript NM_001127511.3; coding-DNA position 34, C replaced by T.
Protein change: p.Pro12Ser; replaces proline 12 with serine.
Molecular consequence: missense variant. On other transcripts: 5 prime UTR variant (8), non-coding transcript variant (1), intron variant (5).
Genome position (GRCh38, 1-based): chr5:112,707,751, C>T. VCF-style: chr5-112707751-C-T. GRCh37 (hg19) VCF-style: chr5-112043448-C-T.
Other names: c.-150C>T (NM_001354895.2, NM_001407447.1, NM_001407452.1 and 3 more transcripts); c.34C>T, p.Pro12Ser (NM_001354897.2, NM_001354902.2, NM_001407446.1); c.-1185C>T (NM_001407470.1, NM_001407472.1); c.-19+102C>T (NM_001407448.1, NM_001407450.1, NM_001407457.1 and 1 more transcripts); c.-43+102C>T (NM_001407453.1); short protein forms P12S.
Identifiers: ClinVar variation 657336 (VCV000657336.10), dbSNP rs1316080865, ClinGen allele CA360611696.
Genomic context (GRCh38, chr5:112,707,751, plus strand): 5'-TTGCCTTCTCGGGCCTCGGCGCCCCCTATGTACGCCTCCCTGGGCTCGGGTCCGGTCGCC[C>T]CTTTGCCCGCTTCTGTACCACCCTCAGTTCTCGGGTCCTGGAGCACCGGCGGCAGCAGGA-3'